The following is an entry in ClinVar:

ClinVar aggregate classification (germline): Pathogenic/Likely pathogenic. Review status: criteria provided, multiple submitters, no conflicts (2 of 4 stars). 3 submissions from 3 submitters: Pathogenic (1); Likely pathogenic (2). Last evaluated 2025-06-23.

Conditions:
ALG1-congenital disorder of glycosylation. Also called: CONGENITAL DISORDER OF GLYCOSYLATION, TYPE Ik; CDG Ik; ALG1-CDG. Identifiers: Orphanet 79327, MedGen C2931005, MONDO:0012052, OMIM 608540.

Allele frequency attached by ClinVar (database versions not stated): TOPMed 0.00002; ExAC 0.00002.

Submissions (3):

Labcorp Genetics (formerly Invitae), Labcorp
Classification: Likely pathogenic for ALG1-congenital disorder of glycosylation. Last evaluated: 2025-06-23. Review status: criteria provided, single submitter. Criteria: Invitae Variant Classification Sherloc (09022015). Collection method: clinical testing. Allele origin: germline.
Comment: This sequence change affects a donor splice site in intron 4 of the ALG1 gene. It is expected to disrupt RNA splicing. Variants that disrupt the donor or acceptor splice site typically lead to a loss of protein function (PMID: 16199547), and loss-of-function variants in ALG1 are known to be pathogenic (PMID: 20679665, 23806237). This variant is present in population databases (rs752189808, gnomAD 0.003%). This variant has not been reported in the literature in individuals affected with ALG1-related conditions. ClinVar contains an entry for this variant (Variation ID: 2887090). Algorithms developed to predict the effect of sequence changes on RNA splicing suggest that this variant may disrupt the consensus splice site. In summary, the currently available evidence indicates that the variant is pathogenic, but additional data are needed to prove that conclusively. Therefore, this variant has been classified as Likely Pathogenic.

3billion
Classification: Pathogenic for ALG1-congenital disorder of glycosylation. Last evaluated: 2025-05-28. Review status: criteria provided, single submitter. Criteria: ACMG Guidelines, 2015. Collection method: clinical testing. Allele origin: germline. Affected: yes.
Comment: The variant is observed at an extremely low frequency in the gnomAD v4.1.0 dataset (total allele frequency: 0.001%). Predicted Consequence/Location: Canonical splice site: predicted to alter splicing and result in a loss or disruption of normal protein function. Multiple pathogenic loss-of-function variants are reported downstream of the variant. The variant has been reported at least twice as pathogenic with clinical assertions and evidence for the classification (ClinVar ID: VCV002887090). Therefore, this variant is classified as Pathogenic according to the recommendation of ACMG/AMP guideline.

Fulgent Genetics
Classification: Likely pathogenic for ALG1-congenital disorder of glycosylation. Last evaluated: 2024-01-05. Review status: criteria provided, single submitter. Criteria: ACMG Guidelines, 2015. Collection method: clinical testing. Allele origin: germline.

Literature cited by the submitters: PubMed 16199547 (cited by Labcorp Genetics (formerly Invitae), Labcorp); PubMed 20679665 (cited by Labcorp Genetics (formerly Invitae), Labcorp); PubMed 23806237 (cited by Labcorp Genetics (formerly Invitae), Labcorp).

NM_019109.5(ALG1):c.539+1G>A

Gene: ALG1 (ALG1 chitobiosyldiphosphodolichol beta-mannosyltransferase; plus strand). Cytogenetic location: 16p13.3.
Variant type: single nucleotide variant.
Coding change: c.539+1G>A on transcript NM_019109.5 (MANE Select); the canonical splice donor site of the intron after coding-DNA position 539, G replaced by A.
Molecular consequence: splice donor variant.
Genome position (GRCh38, 1-based): chr16:5,075,537, G>A. VCF-style: chr16-5075537-G-A. GRCh37 (hg19) VCF-style: chr16-5125538-G-A.
Other names: c.206+1G>A (NM_001330504.2).
Identifiers: ClinVar variation 2887090 (VCV002887090.5), dbSNP rs752189808, ClinGen allele CA7889859.
Genomic context (GRCh38, chr16:5,075,537, plus strand): 5'-CTACTCCATCATGGGTCTGGTGCATGGCCCCAACCATCCCCTCGTTCTGCTGGCCAAGTG[G>A]TGAGAGTCTAGGAAGAGGGTAAAATACCGTCCCCTAAACCACTCAAGGATGAGTGAGAAG-3'